The following is an entry in ClinVar:

ClinVar aggregate classification (germline): Uncertain significance (1 of 4 stars; one submission).

Conditions:
Hereditary cancer-predisposing syndrome. Also called: Hereditary Cancer Syndrome; Tumor predisposition; Neoplastic Syndromes, Hereditary; Hereditary neoplastic syndrome. Identifiers: Orphanet 140162, MedGen C0027672, MeSH D009386, MONDO:0015356.

Submission:

Ambry Genetics
Classification: Uncertain significance for Hereditary cancer-predisposing syndrome. Last evaluated: 2026-02-05. Review status: criteria provided, single submitter. Criteria: Ambry Variant Classification Scheme 2023. Collection method: clinical testing. Allele origin: germline.
Comment: The c.4743dupG variant, located in coding exon 37 of the POLE gene, results from a duplication of G at nucleotide position 4743, causing a translational frameshift with a predicted alternate stop codon (p.P1582Afs*18). This alteration is expected to result in loss of function by premature protein truncation or nonsense-mediated mRNA decay. Although biallelic loss of function of POLE has been associated with autosomal recessive POLE deficiency, haploinsufficiency of POLE has not been established as a mechanism of disease for POLE-related polymerase proofreading-associated polyposis (PPAP) and POLE-related CMMRD-like syndrome. Based on the supporting evidence, this variant is expected to be causative of POLE deficiency when present along with a second pathogenic variant on the other allele; however, its clinical significance for PPAP and POLE-related CMMRD-like syndrome is unclear.

NM_006231.4(POLE):c.4743dup (p.Pro1582fs)

Gene: POLE (DNA polymerase epsilon, catalytic subunit; minus strand). Cytogenetic location: 12q24.33.
Variant type: Duplication.
Coding change: c.4743dup on transcript NM_006231.4 (MANE Select); coding-DNA position 4743, one base duplicated (G; older notation c.4743dupG).
Protein change: p.Pro1582fs; shifts the reading frame from proline 1582.
Molecular consequence: frameshift variant.
Genome position (GRCh38, 1-based): chr12:132,642,715, C duplicated on the plus strand (G on the coding strand, the reverse complement: POLE is on the minus strand); the first of 5 consecutive C bases (chr12:132,642,715-132,642,719); duplicating any one gives the same sequence. VCF-style (leftmost placement, unchanged base first): chr12-132642714-G-GC. GRCh37 (hg19) VCF-style: chr12-133219300-G-GC.
Other names: short protein forms P1582fs.
Identifiers: ClinVar variation 825138 (VCV000825138.5), dbSNP rs1593731554, ClinGen allele CA915946817.